The following is an entry in ClinVar:

ClinVar aggregate classification (germline): Uncertain significance. Review status: criteria provided, multiple submitters, no conflicts (2 of 4 stars). 2 submissions from 2 submitters: Uncertain significance (2). Last evaluated 2025-08-29.

Conditions:
Dyskeratosis congenita, autosomal recessive 5 (DKCB5). Identifiers: MedGen C3554656, MONDO:0014076, OMIM 615190.
Pulmonary fibrosis and/or bone marrow failure, Telomere-related, 3. Also called: PULMONARY FIBROSIS AND/OR BONE MARROW FAILURE SYNDROME, TELOMERE-RELATED, 3. Identifiers: Orphanet 2032, MedGen C4225346, MONDO:0014613, OMIM 616373.
Inborn genetic diseases. Identifiers: MedGen C0950123, MeSH D030342.

Submissions (2):

Ambry Genetics
Classification: Uncertain significance for Inborn genetic diseases. Last evaluated: 2025-08-29. Review status: criteria provided, single submitter. Criteria: Ambry Variant Classification Scheme 2023. Collection method: clinical testing. Allele origin: germline.
Comment: The p.A1190V variant (also known as c.3569C>T), located in coding exon 33 of the RTEL1 gene, results from a C to T substitution at nucleotide position 3569. The alanine at codon 1190 is replaced by valine, an amino acid with similar properties. This amino acid position is conserved. In addition, this alteration is predicted to be tolerated by in silico analysis. Based on the available evidence, the clinical significance of this variant remains unclear.

Labcorp Genetics (formerly Invitae), Labcorp
Classification: Uncertain significance for Dyskeratosis congenita, autosomal recessive 5; Pulmonary fibrosis and/or bone marrow failure, Telomere-related, 3. Last evaluated: 2023-05-07. Review status: criteria provided, single submitter. Criteria: Invitae Variant Classification Sherloc (09022015). Collection method: clinical testing. Allele origin: germline.
Comment: In summary, the available evidence is currently insufficient to determine the role of this variant in disease. Therefore, it has been classified as a Variant of Uncertain Significance. This sequence change replaces alanine, which is neutral and non-polar, with valine, which is neutral and non-polar, at codon 1190 of the RTEL1 protein (p.Ala1190Val). This variant is not present in population databases (gnomAD no frequency). This variant has not been reported in the literature in individuals affected with RTEL1-related conditions. Algorithms developed to predict the effect of missense changes on protein structure and function output the following: SIFT: "Not Available"; PolyPhen-2: "Benign"; Align-GVGD: "Not Available". The valine amino acid residue is found in multiple mammalian species, which suggests that this missense change does not adversely affect protein function.

NM_001283009.2(RTEL1):c.3569C>T (p.Ala1190Val)

Genes: RTEL1 (regulator of telomere elongation helicase 1; plus strand), RTEL1-TNFRSF6B (RTEL1-TNFRSF6B readthrough (NMD candidate); plus strand). Cytogenetic location: 20q13.33.
Variant type: single nucleotide variant.
Coding change: c.3569C>T on transcript NM_001283009.2 (MANE Select); coding-DNA position 3569, C replaced by T.
Protein change: p.Ala1190Val; replaces alanine 1190 with valine.
Molecular consequence: missense variant. On other transcripts: non-coding transcript variant (1).
Genome position (GRCh38, 1-based): chr20:63,695,397, C>T. VCF-style: chr20-63695397-C-T. GRCh37 (hg19) VCF-style: chr20-62326750-C-T.
Other names: c.2900C>T, p.Ala967Val (NM_001283010.1); c.3569C>T, p.Ala1190Val (NM_016434.4); c.3641C>T, p.Ala1214Val (NM_032957.5); short protein forms A1190V, A967V, A1214V.
Identifiers: ClinVar variation 2927880 (VCV002927880.4), dbSNP rs2090953129, ClinGen allele CA409686276.